The following is an entry in ClinVar:

ClinVar aggregate classification (germline): Uncertain significance. Review status: criteria provided, multiple submitters, no conflicts (2 of 4 stars). 4 submissions from 4 submitters: Uncertain significance (4). Last evaluated 2026-09-25.

Conditions:
COL4A4-related disorder.
Alport syndrome. Also called: Hemorrhagic familial nephritis; Hemorrhagic hereditary nephritis; Congenital hereditary hematuria. Identifiers: Orphanet 63, MedGen C1567741, MONDO:0018965.

Allele frequency attached by ClinVar (database versions not stated): gnomAD exomes below 0.00001; ExAC 0.00001.
gnomAD v4.1: 3 of 1,614,022 alleles (0.00019%); highest among the groups gnomAD compares: Non-Finnish European, 0.000085%; no homozygotes.

Submissions (4):

PreventionGenetics, part of Exact Sciences
Classification: Uncertain significance for COL4A4-related condition. Last evaluated: 2026-09-25. Review status: criteria provided, single submitter. Criteria: ACMG Guidelines, 2015. Collection method: clinical testing. Allele origin: germline.
Comment: The COL4A4 c.1051C>T variant is predicted to result in the amino acid substitution p.His351Tyr. This variant was reported in the heterozygous state in an individual with tubular atrophy, tubulointerstitial fibrosis and global glomerulosclerosis in a genetic study of patients with kidney failure of an unknown cause (Supplementary Table 1, Mallawaarachchi et al. 2024. PubMed ID: 38861662). In addition, this variant was reported in the compound heterozygous state with a causative glycine substitution p.Gly918Arg in an individual with end-stage kidney disease (ESKD) (de Saint Gilles et al. 2025. PubMed ID: 40630292). However, the p.His351 residue is weakly conserved and at this position is a tyrosine (Tyr) in mouse and dog. This variant is reported in 0.00088% of alleles in individuals of European (Non-Finnish) descent in gnomAD. At this time, the clinical significance of this variant is uncertain due to the absence of conclusive functional and genetic evidence.

Myriad Genetics, Inc.
Classification: Uncertain significance for Alport syndrome. Last evaluated: 2025-09-25. Review status: criteria provided, single submitter. Criteria: Myriad Autosomal Dominant, Autosomal Recessive and X-Linked Classification Criteria (2023). Collection method: clinical testing. Allele origin: unknown.
Comment: NM_000092.4(COL4A4):c.1051C>T(H351Y) is a missense variant classified as a variant of uncertain significance in the context of Alport syndrome, COL4A4-related. H351Y has been observed in a case with relevant disease (PMID: 38861662). Relevant functional assessments of this variant are not available in the literature. H351Y has been observed in referenced population frequency databases. In summary, there is insufficient evidence to classify NM_000092.4(COL4A4):c.1051C>T(H351Y) as pathogenic or benign. Please note: this variant was assessed in the context of healthy population screening.

Labcorp Genetics (formerly Invitae), Labcorp
Classification: Uncertain significance. Last evaluated: 2023-05-26. Review status: criteria provided, single submitter. Criteria: Invitae Variant Classification Sherloc (09022015). Collection method: clinical testing. Allele origin: germline.
Comment: Advanced modeling of protein sequence and biophysical properties (such as structural, functional, and spatial information, amino acid conservation, physicochemical variation, residue mobility, and thermodynamic stability) performed at Invitae indicates that this missense variant is not expected to disrupt COL4A4 protein function. In summary, the available evidence is currently insufficient to determine the role of this variant in disease. Therefore, it has been classified as a Variant of Uncertain Significance. This variant has not been reported in the literature in individuals affected with COL4A4-related conditions. This variant is present in population databases (rs749374824, gnomAD 0.0009%). This sequence change replaces histidine, which is basic and polar, with tyrosine, which is neutral and polar, at codon 351 of the COL4A4 protein (p.His351Tyr).

Victorian Clinical Genetics Services, Murdoch Childrens Research Institute
Classification: Uncertain significance for Alport syndrome. Last evaluated: 2020-05-25. Review status: criteria provided, single submitter. Criteria: ACMG Guidelines, 2015. Collection method: clinical testing. Allele origin: germline. Affected: yes.
Comment: Based on the classification scheme VCGS_Germline_v1.1.1, this variant is classified as 3C-VUS. Following criteria are met: 0102 - Loss-of-function is a known mechanism of disease for this gene. (N) 0104 - Dominant Negative is a mechanism of disease for this gene. (N) 0108 - This gene is known to be associated with both recessive and dominant disease (OMIM). (N) 0200 - Variant is predicted to result in a missense amino acid change from histidine to tyrosine (exon 18). (N) 0251 - Variant is heterozygous. (N) 0302 - Variant is present in gnomAD <0.001 for a dominant condition (1 heterozygote, 0 homozygotes). (P) 0309 - An alternative amino acid change at the same position has been observed in gnomAD (p.(His351Gln): 6 heterozygotes, 0 homozygotes). (N) 0504 - Same amino acid change has been observed in mammals. (B) 0600 - Variant is located in an annotated domain or motif (collagen triple helix repeat; PDB, NCBI). (N) 0705 - No comparable variants have previous evidence for pathogenicity. (N) 0807 - Variant has not previously been reported in a clinical context. (N) 0905 - No segregation evidence has been identified for this variant. (N) 1007 - No published functional evidence has been identified for this variant. (N) 1208 - Inheritance information for this variant is not currently available. (N) Legend: (P) - Pathogenic, (N) - Neutral, (B) - Benign

Literature cited by the submitters: PubMed 38861662 (cited by Myriad Genetics, Inc.).

NM_000092.5(COL4A4):c.1051C>T (p.His351Tyr)

Gene: COL4A4 (collagen type IV alpha 4 chain; minus strand). Cytogenetic location: 2q36.3.
Variant type: single nucleotide variant.
Coding change: c.1051C>T on transcript NM_000092.5 (MANE Select); coding-DNA position 1051, C replaced by T.
Protein change: p.His351Tyr; replaces histidine 351 with tyrosine.
Molecular consequence: missense variant.
Genome position (GRCh38, 1-based): chr2:227,099,668, G>A on the plus strand (C>T on the coding strand, the complement: COL4A4 is on the minus strand). VCF-style: chr2-227099668-G-A. GRCh37 (hg19) VCF-style: chr2-227964384-G-A.
Other names: short protein forms H351Y.
Identifiers: ClinVar variation 2733411 (VCV002733411.5), dbSNP rs749374824, ClinGen allele CA2145301.